The following is an entry in ClinVar:

NM_001042492.3(NF1):c.4768T>G (p.Leu1590Val)

Gene: NF1 (neurofibromin 1; plus strand). Cytogenetic location: 17q11.2.
Variant type: single nucleotide variant.
Coding change: c.4768T>G on transcript NM_001042492.3 (MANE Select); coding-DNA position 4768, T replaced by G.
Protein change: p.Leu1590Val; replaces leucine 1590 with valine.
Molecular consequence: missense variant.
Genome position (GRCh38, 1-based): chr17:31,265,272, T>G. VCF-style: chr17-31265272-T-G. GRCh37 (hg19) VCF-style: chr17-29592290-T-G.
Other names: c.4705T>G, p.Leu1569Val (NM_000267.4); short protein forms L1569V, L1590V.
Identifiers: ClinVar variation 578543 (VCV000578543.17), dbSNP rs1567865010, ClinGen allele CA399001246.
Genomic context (GRCh38, chr17:31,265,272, plus strand): 5'-TGTTATTTTTCTTTTAGGCATCAGGTACATGAAAAAGAAGAATTCAAGGCTTTGAAAACG[T>G]TAAGTATTTTCTACCAAGCTGGGACTTCCAAAGCTGGGAATCCTATTTTTTATTATGTTG-3'
Protein context (NP_001035957.1, residues 1580-1600): EKEEFKALKT[Leu1590Val]SIFYQAGTSK

ClinVar aggregate classification (germline): Conflicting classifications of pathogenicity. Review status: criteria provided, conflicting classifications (1 of 4 stars). 5 submissions from 5 submitters: Likely pathogenic (2); Uncertain significance (3). Last evaluated 2024-04-04.
ClinVar aggregate classification (somatic clinical impact): Tier I - Strong (1 of 4 stars; one submission).

Conditions:
Cardiovascular phenotype. Identifiers: MedGen CN230736.
Hereditary cancer-predisposing syndrome. Also called: Hereditary neoplastic syndrome; Neoplastic Syndromes, Hereditary; Hereditary Cancer Syndrome; Tumor predisposition. Identifiers: Orphanet 140162, MedGen C0027672, MeSH D009386, MONDO:0015356.
Neurofibromatosis, type 1 (NF1). Also called: Neurofibromatosis, type I; Peripheral type neurofibromatosis; NEUROFIBROMATOSIS, TYPE I, SOMATIC; VON RECKLINGHAUSEN DISEASE. Identifiers: Orphanet 636, MedGen C0027831, MONDO:0018975, OMIM 162200. Disease mechanism: loss of function.
NF1-related disorder. Also called: NF1-related condition. Identifiers: MedGen CN379171.
Dysembryoplastic neuroepithelial tumor. Identifiers: Orphanet 251946, MedGen C1266177, MONDO:0005505, HP:0033703.

Submissions (6):

Institute for Genomic Medicine (IGM) Clinical Laboratory, Nationwide Children's Hospital
Classification: Tier I - Strong for Dysembryoplastic neuroepithelial tumor. Assertion type: diagnostic. Clinical significance: supports diagnosis. Last evaluated: 2025-07-15. Review status: criteria provided, single submitter. Criteria: AMP/ASCO/CAP Guidelines, 2017. Collection method: clinical testing. Allele origin: somatic. Affected: yes.
Comment: Variant has Tier I (strong) clinical significance as a diagnostic inclusion criterion in dysembryoplastic neuroepithelial tumor, based on the following evidence: 1) Appears in one or more well-established professional guidelines (e.g., World Health Organization [WHO]; National Comprehensive Cancer Network [NCCN]) as providing diagnostic, prognostic, or therapeutic information. 2) Diagnostic for a specific tumor type/classification based on well-powered studies with expert-level consensus (Evidence Level B; PMIDs: 26810070, 31617914, 23583981).

GeneDx
Classification: Uncertain significance. Last evaluated: 2024-04-04. Review status: criteria provided, single submitter. Criteria: GeneDx Variant Classification Process June 2021. Collection method: clinical testing. Allele origin: germline. Affected: yes.
Comment: Has not been previously published as pathogenic or benign to our knowledge; Not observed in large population cohorts (gnomAD); In silico analysis supports a deleterious effect on splicing; In silico analysis supports that this missense variant does not alter protein structure/function

Blueprint Genetics
Classification: Likely pathogenic for NF1-related disorders. Last evaluated: 2023-11-08. Review status: criteria provided, single submitter. Criteria: ACMG Guidelines, 2015. Collection method: clinical testing. Allele origin: germline. Affected: yes. Observed: 1 variant allele.

Labcorp Genetics (formerly Invitae), Labcorp
Classification: Uncertain significance for Neurofibromatosis, type 1. Last evaluated: 2023-04-07. Review status: criteria provided, single submitter. Criteria: Invitae Variant Classification Sherloc (09022015). Collection method: clinical testing. Allele origin: germline.
Comment: In summary, the available evidence is currently insufficient to determine the role of this variant in disease. Therefore, it has been classified as a Variant of Uncertain Significance. Algorithms developed to predict the effect of sequence changes on RNA splicing suggest that this variant may disrupt the consensus splice site. Advanced modeling of protein sequence and biophysical properties (such as structural, functional, and spatial information, amino acid conservation, physicochemical variation, residue mobility, and thermodynamic stability) performed at Invitae indicates that this missense variant is not expected to disrupt NF1 protein function. ClinVar contains an entry for this variant (Variation ID: 578543). This missense change has been observed in individual(s) with NF1 (Invitae). This sequence change replaces leucine, which is neutral and non-polar, with valine, which is neutral and non-polar, at codon 1569 of the NF1 protein (p.Leu1569Val). This variant is not present in population databases (gnomAD no frequency).

Ambry Genetics
Classification: Likely pathogenic for Cardiovascular phenotype; Hereditary cancer-predisposing syndrome. Last evaluated: 2022-11-17. Review status: criteria provided, single submitter. Criteria: Ambry Variant Classification Scheme 2023. Collection method: clinical testing. Allele origin: germline.
Comment: The p.L1569V variant (also known as c.4705T>G), located in coding exon 35 of the NF1 gene, results from a T to G substitution at nucleotide position 4705. The leucine at codon 1569 is replaced by valine, an amino acid with highly similar properties. This alteration has been identified in multiple individuals with clinical features of neurofibromatosis type1 (NF1) (Ambry internal data). This variant is considered to be rare based on population cohorts in the Genome Aggregation Database (gnomAD). This amino acid position is highly conserved in available vertebrate species. In addition, the in silico prediction for this alteration is inconclusive. Based on the majority of available evidence to date, this variant is likely to be pathogenic.

Genome-Nilou Lab
Classification: Uncertain significance for Neurofibromatosis, type 1. Last evaluated: 2022-03-15. Review status: criteria provided, single submitter. Criteria: ACMG Guidelines, 2015. Collection method: clinical testing. Allele origin: germline. Affected: no.

Literature cited by the submitters: PubMed 26810070 (cited by Institute for Genomic Medicine (IGM) Clinical Laboratory, Nationwide Children's Hospital); PubMed 31617914 (cited by Institute for Genomic Medicine (IGM) Clinical Laboratory, Nationwide Children's Hospital); PubMed 23583981 (cited by Institute for Genomic Medicine (IGM) Clinical Laboratory, Nationwide Children's Hospital).